The following is an entry in ClinVar:

NM_000551.4(VHL):c.36G>C (p.Glu12Asp)

Gene: VHL (von Hippel-Lindau tumor suppressor; plus strand). Cytogenetic location: 3p25.3.
Variant type: single nucleotide variant.
Coding change: c.36G>C on transcript NM_000551.4 (MANE Select); coding-DNA position 36, G replaced by C.
Protein change: p.Glu12Asp; replaces glutamic acid 12 with aspartic acid.
Molecular consequence: missense variant.
Genome position (GRCh38, 1-based): chr3:10,141,883, G>C. VCF-style: chr3-10141883-G-C. GRCh37 (hg19) VCF-style: chr3-10183567-G-C.
Other names: c.36G>C, p.Glu12Asp (NM_001354723.2, NM_198156.3); short protein forms E12D.
Identifiers: ClinVar variation 419711 (VCV000419711.14), dbSNP rs973493604, ClinGen allele CA16617780.

ClinVar aggregate classification (germline): Uncertain significance. Review status: criteria provided, multiple submitters, no conflicts (2 of 4 stars). 4 submissions from 4 submitters: Uncertain significance (4). Last evaluated 2026-01-13.

Conditions:
Chuvash polycythemia. Also called: POLYCYTHEMIA, VHL-DEPENDENT. Identifiers: Orphanet 238557, MedGen C1837915, MONDO:0009892, OMIM 263400.
Von Hippel-Lindau syndrome (VHLS). Also called: VHL syndrome; Von Hippel-Lindau; von Hippel–Lindau syndrome. Identifiers: Orphanet 892, MedGen C0019562, MONDO:0008667, OMIM 193300. Disease mechanism: loss of function.
Hereditary cancer-predisposing syndrome. Also called: Hereditary neoplastic syndrome; Hereditary Cancer Syndrome; Neoplastic Syndromes, Hereditary; Tumor predisposition. Identifiers: Orphanet 140162, MedGen C0027672, MeSH D009386, MONDO:0015356.
Nonpapillary renal cell carcinoma. Identifiers: Orphanet 422526, MedGen CN074294, MONDO:0007763, OMIM 144700.
Pheochromocytoma. Also called: MAX-Related Hereditary Paraganglioma-Pheochromocytoma Syndrome. Identifiers: Orphanet 29072, MedGen C0031511, MONDO:0008233, OMIM 171300, HP:0002666.

Allele frequency attached by ClinVar (database versions not stated): TOPMed below 0.00001.
gnomAD v4.1: 8 of 1,533,750 alleles (0.00052%); highest among the groups gnomAD compares: Non-Finnish European, 0.0007%; no homozygotes.

Submissions (4):

Labcorp Genetics (formerly Invitae), Labcorp
Classification: Uncertain significance for Von Hippel-Lindau syndrome; Chuvash polycythemia. Last evaluated: 2026-01-13. Review status: criteria provided, single submitter. Criteria: Invitae Variant Classification Sherloc (09022015). Collection method: clinical testing. Allele origin: germline.
Comment: This sequence change replaces glutamic acid, which is acidic and polar, with aspartic acid, which is acidic and polar, at codon 12 of the VHL protein (p.Glu12Asp). This variant is not present in population databases (gnomAD no frequency). This missense change has been observed in individual(s) with a haemangioblastoma of the central nervous system or the spinal cord (PMID: 21463266). ClinVar contains an entry for this variant (Variation ID: 419711). Invitae Evidence Modeling of protein sequence and biophysical properties (such as structural, functional, and spatial information, amino acid conservation, physicochemical variation, residue mobility, and thermodynamic stability) indicates that this missense variant is not expected to disrupt VHL protein function with a negative predictive value of 95%. In summary, the available evidence is currently insufficient to determine the role of this variant in disease. Therefore, it has been classified as a Variant of Uncertain Significance.

Ambry Genetics
Classification: Uncertain significance for Hereditary cancer-predisposing syndrome. Last evaluated: 2025-03-31. Review status: criteria provided, single submitter. Criteria: Ambry Variant Classification Scheme 2023. Collection method: clinical testing. Allele origin: germline.
Comment: The p.E12D variant (also known as c.36G>C), located in coding exon 1 of the VHL gene, results from a G to C substitution at nucleotide position 36. The glutamic acid at codon 12 is replaced by aspartic acid, an amino acid with highly similar properties. This amino acid position is well conserved in available vertebrate species. In addition, this alteration is predicted to be tolerated by in silico analysis. Based on the available evidence, the clinical significance of this variant remains unclear.

Fulgent Genetics
Classification: Uncertain significance for Nonpapillary renal cell carcinoma; Pheochromocytoma; Von Hippel-Lindau syndrome; Chuvash polycythemia. Last evaluated: 2022-05-19. Review status: criteria provided, single submitter. Criteria: ACMG Guidelines, 2015. Collection method: clinical testing. Allele origin: unknown.

GeneDx
Classification: Uncertain significance. Last evaluated: 2016-10-11. Review status: criteria provided, single submitter. Criteria: GeneDx Variant Classification (06012015). Collection method: clinical testing. Allele origin: germline. Affected: yes.
Comment: This variant is denoted VHL c.36G>C at the cDNA level, p.Glu12Asp (E12D) at the protein level, and results in the change of a Glutamic Acid to an Aspartic Acid (GAG>GAC). This variant was observed in an individual with an isolated brain/spinal cord hemangioblastoma (Leonardi 2011). VHL Glu12Asp was not observed in approximately 6,500 individuals of European and African American ancestry in the NHLBI Exome Sequencing Project, indicating it is not a common benign variant in these populations. Since Glutamic Acid and Aspartic Acid share similar properties, this is considered a conservative amino acid substitution. VHL Glu12Asp occurs at a position that is not conserved and is not located in a known functional domain (Yuen 2009, UniProt). In silico analyses predict that this variant is unlikely to alter protein structure or function. Based on currently available information, it is unclear whether VHL Glu12Asp is pathogenic or benign. We consider it to be a variant of uncertain significance.

Literature cited by the submitters: PubMed 21463266 (cited by Labcorp Genetics (formerly Invitae), Labcorp and Ambry Genetics).